The following is an entry in ClinVar:

NM_052947.4(ALPK2):c.1801G>A (p.Glu601Lys)

Gene: ALPK2 (alpha kinase 2; minus strand). Cytogenetic location: 18q21.31.
Variant type: single nucleotide variant.
Coding change: c.1801G>A on transcript NM_052947.4 (MANE Select); coding-DNA position 1801, G replaced by A.
Protein change: p.Glu601Lys; replaces glutamic acid 601 with lysine.
Molecular consequence: missense variant.
Genome position (GRCh38, 1-based): chr18:58,578,975, C>T on the plus strand (G>A on the coding strand, the complement: ALPK2 is on the minus strand). VCF-style: chr18-58578975-C-T. GRCh37 (hg19) VCF-style: chr18-56246207-C-T.
Other names: short protein forms E601K.
Identifiers: ClinVar variation 2561784 (VCV002561784.2), dbSNP rs2051938770, ClinGen allele CA402560129.
Genomic context (GRCh38, chr18:58,578,975, plus strand): 5'-AGTCTGTTGAAGTTTGAAGGGTTTTTGCTTCTTGCTCTGCCTGGGTTGAAATAGCACATT[C>T]TCTTGCATCAGCATGGGAACTCCGACCAGTCGCTGCTGCTGTGGTGTGAGAAGTCTCTCT-3'
Protein context (NP_443179.3, residues 591-611): TGRSSHADAR[Glu601Lys]CAISTQAEQE

ClinVar aggregate classification (germline): Uncertain significance (1 of 4 stars; one submission).

Allele frequency attached by ClinVar (database versions not stated): gnomAD exomes below 0.00001; TOPMed below 0.00001.
gnomAD v4.1: 1 of 1,614,198 alleles (0.000062%); highest among the groups gnomAD compares: Non-Finnish European, 0.000085%; no homozygotes.

Submission:

Ambry Genetics
Classification: Uncertain significance. Last evaluated: 2023-03-21. Review status: criteria provided, single submitter. Criteria: Ambry Variant Classification Scheme 2023. Collection method: clinical testing. Allele origin: germline.
Comment: The p.E601K variant (also known as c.1801G>A), located in coding exon 3 of the ALPK2 gene, results from a G to A substitution at nucleotide position 1801. The glutamic acid at codon 601 is replaced by lysine, an amino acid with similar properties. This amino acid position is conserved. In addition, this alteration is predicted to be tolerated by in silico analysis. Since supporting evidence is limited at this time, the clinical significance of this alteration remains unclear.